The following is an entry in ClinVar:

NM_152365.3(KDF1):c.158A>G (p.His53Arg)

Gene: KDF1 (keratinocyte differentiation factor 1; minus strand). Cytogenetic location: 1p36.11.
Variant type: single nucleotide variant.
Coding change: c.158A>G on transcript NM_152365.3 (MANE Select); coding-DNA position 158, A replaced by G.
Protein change: p.His53Arg; replaces histidine 53 with arginine.
Molecular consequence: missense variant.
Genome position (GRCh38, 1-based): chr1:26,952,223, T>C on the plus strand (A>G on the coding strand, the complement: KDF1 is on the minus strand). VCF-style: chr1-26952223-T-C. GRCh37 (hg19) VCF-style: chr1-27278714-T-C.
Other names: short protein forms H53R.
Identifiers: ClinVar variation 2801547 (VCV002801547.3), dbSNP rs746153605, ClinGen allele CA710379.
Genomic context (GRCh38, chr1:26,952,223, plus strand): 5'-GTGGGGGACTCAAGGGCCGGCTCAGCAGAGCCAGAGATGAAGGTAATGCTCTCTGGCCCA[T>C]GGTGGCCAGGGTCCTTGGGGTCTGGTCTACGGGTGCGGCGGCTTGGTGGGGGCTGAGGTG-3'
Protein context (NP_689578.2, residues 43-63): RRPDPKDPGH[His53Arg]GPESITFISG

ClinVar aggregate classification (germline): Uncertain significance (1 of 4 stars; one submission).

Allele frequency attached by ClinVar (database versions not stated): gnomAD 0.00001; ExAC 0.00002; gnomAD exomes 0.00002.

Submission:

Labcorp Genetics (formerly Invitae), Labcorp
Classification: Uncertain significance. Last evaluated: 2023-08-09. Review status: criteria provided, single submitter. Criteria: Invitae Variant Classification Sherloc (09022015). Collection method: clinical testing. Allele origin: germline.
Comment: In summary, the available evidence is currently insufficient to determine the role of this variant in disease. Therefore, it has been classified as a Variant of Uncertain Significance. Advanced modeling of protein sequence and biophysical properties (such as structural, functional, and spatial information, amino acid conservation, physicochemical variation, residue mobility, and thermodynamic stability) performed at Invitae indicates that this missense variant is not expected to disrupt KDF1 protein function. This variant has not been reported in the literature in individuals affected with KDF1-related conditions. The frequency data for this variant in the population databases is considered unreliable, as metrics indicate poor data quality at this position in the gnomAD database. This sequence change replaces histidine, which is basic and polar, with arginine, which is basic and polar, at codon 53 of the KDF1 protein (p.His53Arg).